The following is an entry in ClinVar:

ClinVar aggregate classification (germline): Conflicting classifications of pathogenicity. Review status: criteria provided, conflicting classifications (1 of 4 stars). 7 submissions from 7 submitters: Uncertain significance (4); Likely benign (1). 2 of the submissions do not count toward it. Last evaluated 2024-10-21.

Conditions:
Bardet-Biedl syndrome (BBS). Identifiers: Orphanet 110, MedGen C0752166, MONDO:0015229.
BBS10-related disorder. Also called: BBS10-related condition.
Bardet-Biedl syndrome 10 (BBS10). Identifiers: Orphanet 110, MedGen C1859568, MONDO:0014438, OMIM 615987.

Allele frequency attached by ClinVar (database versions not stated): gnomAD exomes 0.00013; 1000 Genomes Project 30x 0.00016; ExAC 0.00019; 1000 Genomes Project 0.00020; ESP Exome Variant Server 0.00046; gnomAD 0.00055 and 0.00058; TOPMed 0.00060.

Submissions (7):

Blueprint Genetics
Classification: Likely benign. Last evaluated: 2024-10-21. Review status: criteria provided, single submitter. Criteria: ACMG Guidelines, 2015. Collection method: clinical testing. Allele origin: germline.

Labcorp Genetics (formerly Invitae), Labcorp
Classification: Uncertain significance for Bardet-Biedl syndrome. Last evaluated: 2022-09-06. Review status: criteria provided, single submitter. Criteria: Invitae Variant Classification Sherloc (09022015). Collection method: clinical testing. Allele origin: germline.
Comment: This sequence change replaces alanine, which is neutral and non-polar, with glutamic acid, which is acidic and polar, at codon 479 of the BBS10 protein (p.Ala479Glu). This variant is present in population databases (rs138434761, gnomAD 0.2%). This variant has not been reported in the literature in individuals affected with BBS10-related conditions. ClinVar contains an entry for this variant (Variation ID: 499947). Algorithms developed to predict the effect of missense changes on protein structure and function output the following: SIFT: "Tolerated"; PolyPhen-2: "Benign"; Align-GVGD: "Class C0". The glutamic acid amino acid residue is found in multiple mammalian species, which suggests that this missense change does not adversely affect protein function. In summary, the available evidence is currently insufficient to determine the role of this variant in disease. Therefore, it has been classified as a Variant of Uncertain Significance.

Fulgent Genetics
Classification: Uncertain significance for Bardet-Biedl syndrome 10. Last evaluated: 2022-03-23. Review status: criteria provided, single submitter. Criteria: ACMG Guidelines, 2015. Collection method: clinical testing. Allele origin: unknown.

Baylor Genetics
Classification: Uncertain significance for Bardet-Biedl syndrome 10. Last evaluated: 2017-09-01. Review status: criteria provided, single submitter. Criteria: ACMG Guidelines, 2015. Collection method: clinical testing. Allele origin: paternal. Inheritance: Autosomal recessive inheritance. Affected: yes.
Comment: Heterozygotes are expected to be asymptomatic carriers.

Eurofins Ntd Llc (ga)
Classification: Uncertain significance. Last evaluated: 2017-02-06. Review status: criteria provided, single submitter. Criteria: EGL Classification Definitions 2015. Collection method: clinical testing. Allele origin: germline. Observed: 1 variant allele, 1 heterozygote.

PreventionGenetics, part of Exact Sciences
Classification: Likely benign for BBS10-related condition. Last evaluated: 2020-09-08. Review status: no assertion criteria provided. Collection method: clinical testing. Allele origin: germline. Not counted in ClinVar's aggregate classification.
Comment: This variant is classified as likely benign based on ACMG/AMP sequence variant interpretation guidelines (Richards et al. 2015 PMID: 25741868, with internal and published modifications).

Natera, Inc.
Classification: Uncertain significance for Bardet-Biedl syndrome type 10. Last evaluated: 2020-01-16. Review status: no assertion criteria provided. Collection method: clinical testing. Allele origin: germline. Not counted in ClinVar's aggregate classification.

Literature cited by the submitters: PubMed 25326635 (cited by Baylor Genetics).

NM_024685.4(BBS10):c.1436C>A (p.Ala479Glu)

Gene: BBS10 (Bardet-Biedl syndrome 10; minus strand). Cytogenetic location: 12q21.2.
Variant type: single nucleotide variant.
Coding change: c.1436C>A on transcript NM_024685.4 (MANE Select); coding-DNA position 1436, C replaced by A.
Protein change: p.Ala479Glu; replaces alanine 479 with glutamic acid.
Molecular consequence: missense variant.
Genome position (GRCh38, 1-based): chr12:76,346,549, G>T on the plus strand (C>A on the coding strand, the complement: BBS10 is on the minus strand). VCF-style: chr12-76346549-G-T. GRCh37 (hg19) VCF-style: chr12-76740329-G-T.
Other names: c.1436C>A, p.Ala479Glu (LRG_1255t1); short protein forms A479E.
Identifiers: ClinVar variation 499947 (VCV000499947.16), dbSNP rs138434761, ClinGen allele CA6694173.